The following is an entry in ClinVar:

ClinVar aggregate classification (germline): Uncertain significance (1 of 4 stars; one submission).

Allele frequency attached by ClinVar (database versions not stated): gnomAD exomes below 0.00001; TOPMed below 0.00001.

Submission:

Ambry Genetics
Classification: Uncertain significance. Last evaluated: 2024-10-21. Review status: criteria provided, single submitter. Criteria: Ambry Variant Classification Scheme 2023. Collection method: clinical testing. Allele origin: germline.
Comment: The p.V827M variant (also known as c.2479G>A), located in coding exon 15 of the POLQ gene, results from a G to A substitution at nucleotide position 2479. The valine at codon 827 is replaced by methionine, an amino acid with highly similar properties. This amino acid position is conserved. In addition, this alteration is predicted to be tolerated by in silico analysis. Since supporting evidence is limited at this time, the clinical significance of this alteration remains unclear.

NM_199420.4(POLQ):c.2479G>A (p.Val827Met)

Gene: POLQ (DNA polymerase theta; minus strand). Cytogenetic location: 3q13.33.
Variant type: single nucleotide variant.
Coding change: c.2479G>A on transcript NM_199420.4 (MANE Select); coding-DNA position 2479, G replaced by A.
Protein change: p.Val827Met; replaces valine 827 with methionine.
Molecular consequence: missense variant.
Genome position (GRCh38, 1-based): chr3:121,493,521, C>T on the plus strand (G>A on the coding strand, the complement: POLQ is on the minus strand). VCF-style: chr3-121493521-C-T. GRCh37 (hg19) VCF-style: chr3-121212368-C-T.
Other names: short protein forms V827M.
Identifiers: ClinVar variation 1791880 (VCV001791880.3), dbSNP rs1441713666, ClinGen allele CA354107401.
Genomic context (GRCh38, chr3:121,493,521, plus strand): 5'-TAAAGGTATTTTCTTACCTTTTGAAAGGCACAGCATTTTTCAGAATCACCTCCACCTCCA[C>T]AATATTTGCTCTAGCAAGGTCTGCCACAGTATGAAAGCCAGAAGCATAGAGAACCCTGGC-3'
Protein context (NP_955452.3, residues 817-837): TVADLARANI[Val827Met]EVEVILKNAV